The following is an entry in ClinVar:

NM_020975.6(RET):c.2771T>A (p.Phe924Tyr)

Gene: RET (ret proto-oncogene; plus strand). Cytogenetic location: 10q11.21.
Variant type: single nucleotide variant.
Coding change: c.2771T>A on transcript NM_020975.6 (MANE Select); coding-DNA position 2771, T replaced by A.
Protein change: p.Phe924Tyr; replaces phenylalanine 924 with tyrosine.
Molecular consequence: missense variant.
Genome position (GRCh38, 1-based): chr10:43,121,986, T>A. VCF-style: chr10-43121986-T-A. GRCh37 (hg19) VCF-style: chr10-43617434-T-A.
Other names: c.2771T>A, p.Phe924Tyr (NM_000323.2, NM_001406743.1, NM_001406744.1 and 4 more transcripts); c.2009T>A, p.Phe670Tyr (NM_001355216.2); c.2642T>A, p.Phe881Tyr (NM_001406761.1, NM_001406762.1, NM_001406764.1); c.2636T>A, p.Phe879Tyr (NM_001406763.1, NM_001406765.1); c.2483T>A, p.Phe828Tyr (NM_001406766.1, NM_001406767.1, NM_001406770.1); c.2507T>A, p.Phe836Tyr (NM_001406768.1); c.2375T>A, p.Phe792Tyr (NM_001406769.1, NM_001406772.1); c.2333T>A, p.Phe778Tyr (NM_001406771.1, NM_001406773.1); and 10 more; short protein forms F670Y, F924Y, F529Y, F585Y, F749Y, F879Y, F582Y, F594Y.
Identifiers: ClinVar variation 857380 (VCV000857380.14), dbSNP rs1838228352, ClinGen allele CA376557554.
Genomic context (GRCh38, chr10:43,121,986, plus strand): 5'-TTATTCCATCTTCTCTTTAGGGTCGGATTCCAGTTAAATGGATGGCAATTGAATCCCTTT[T>A]TGATCATATCTACACCACGCAAAGTGATGTGTAAGTGTGGGTGTTGCTCTCTTGGGGTGG-3'
Protein context (NP_066124.1, residues 914-934): PVKWMAIESL[Phe924Tyr]DHIYTTQSDV

ClinVar aggregate classification (germline): Uncertain significance. Review status: criteria provided, multiple submitters, no conflicts (2 of 4 stars). 5 submissions from 5 submitters: Uncertain significance (5). Last evaluated 2025-07-02.

Conditions:
Hereditary cancer-predisposing syndrome. Also called: Tumor predisposition; Hereditary neoplastic syndrome; Neoplastic Syndromes, Hereditary; Hereditary Cancer Syndrome. Identifiers: Orphanet 140162, MedGen C0027672, MeSH D009386, MONDO:0015356.
Multiple endocrine neoplasia, type 2 (MEN2). Identifiers: Orphanet 653, MedGen C4048306, MONDO:0019003. Disease mechanism: gain of function.
Hirschsprung disease, susceptibility to, 1 (HSCR1). Also called: RET-Related Hirschsprung Disease. Identifiers: Orphanet 388, MedGen C3888239, MONDO:0007723, OMIM 142623.

Allele frequency attached by ClinVar (database versions not stated): gnomAD exomes below 0.00001.
gnomAD v4.1: 1 of 1,613,804 alleles (0.000062%); highest among the groups gnomAD compares: Non-Finnish European, 0.000085%; no homozygotes.

Submissions (5):

GeneDx
Classification: Uncertain significance. Last evaluated: 2025-07-02. Review status: criteria provided, single submitter. Criteria: GeneDx Variant Classification Process June 2021. Collection method: clinical testing. Allele origin: germline. Affected: yes.
Comment: Not observed at significant frequency in large population cohorts (gnomAD); In silico analysis suggests that this missense variant does not alter protein structure/function; Has not been previously published as pathogenic or benign to our knowledge; This variant is associated with the following publications: (PMID: 14633923)

All of Us Research Program, National Institutes of Health
Classification: Uncertain significance for Multiple endocrine neoplasia, type 2. Last evaluated: 2024-04-10. Review status: criteria provided, single submitter. Criteria: ACMG Guidelines, 2015. Collection method: clinical testing. Allele origin: germline. Inheritance: Autosomal dominant inheritance. Observed: 2 variant alleles, 2 heterozygotes.
Comment: This study involves interpretation of variants in research participants for the purpose of population health screening. Participant phenotype was not available at the time of variant classification. Additional details can be found in publication PMID: 35346344, PMCID: PMC8962531

Labcorp Genetics (formerly Invitae), Labcorp
Classification: Uncertain significance for Multiple endocrine neoplasia, type 2. Last evaluated: 2024-04-02. Review status: criteria provided, single submitter. Criteria: Invitae Variant Classification Sherloc (09022015). Collection method: clinical testing. Allele origin: germline.
Comment: This sequence change replaces phenylalanine, which is neutral and non-polar, with tyrosine, which is neutral and polar, at codon 924 of the RET protein (p.Phe924Tyr). This variant is not present in population databases (gnomAD no frequency). This variant has not been reported in the literature in individuals affected with RET-related conditions. ClinVar contains an entry for this variant (Variation ID: 857380). An algorithm developed to predict the effect of missense changes on protein structure and function (PolyPhen-2) suggests that this variant is likely to be disruptive. In summary, the available evidence is currently insufficient to determine the role of this variant in disease. Therefore, it has been classified as a Variant of Uncertain Significance.

Ambry Genetics
Classification: Uncertain significance for Hereditary cancer-predisposing syndrome. Last evaluated: 2024-02-12. Review status: criteria provided, single submitter. Criteria: Ambry Variant Classification Scheme 2023. Collection method: clinical testing. Allele origin: germline.
Comment: The p.F924Y variant (also known as c.2771T>A), located in coding exon 16 of the RET gene, results from a T to A substitution at nucleotide position 2771. The phenylalanine at codon 924 is replaced by tyrosine, an amino acid with highly similar properties. This amino acid position is conserved. In addition, the in silico prediction for this alteration is inconclusive. Based on the available evidence, the clinical significance of this alteration remains unclear.

Baylor Genetics
Classification: Uncertain significance for Hirschsprung disease, susceptibility to, 1. Last evaluated: 2023-09-23. Review status: criteria provided, single submitter. Criteria: ACMG Guidelines, 2015. Collection method: clinical testing. Allele origin: unknown.